The following is an entry in ClinVar:

NM_001077415.3(CRELD1):c.93C>T (p.Pro31=)

Gene: CRELD1 (CRELD disulfide isomerase 1; plus strand). Cytogenetic location: 3p25.3.
Variant type: single nucleotide variant.
Coding change: c.93C>T on transcript NM_001077415.3 (MANE Select); coding-DNA position 93, C replaced by T.
Protein change: p.Pro31=; no amino-acid change (proline 31 retained).
Molecular consequence: synonymous variant. On other transcripts: non-coding transcript variant (3).
Genome position (GRCh38, 1-based): chr3:9,934,531, C>T. VCF-style: chr3-9934531-C-T. GRCh37 (hg19) VCF-style: chr3-9976215-C-T.
Other names: c.93C>T, p.Pro31= (NM_001031717.4, NM_001374316.1, NM_001374317.1 and 4 more transcripts).
Identifiers: ClinVar variation 1615675 (VCV001615675.34), dbSNP rs199599039, ClinGen allele CA2247559.
Genomic context (GRCh38, chr3:9,934,531, plus strand): 5'-AGCTATGCTCTGGGGCCTCAGCCTCTTCCTCAACCTCCCAGGACCTATCTGGCTCCAGCC[C>T]TCTCCACCTCCCCAGTCTTCTCCCCCGCCTCAGCCCCATCCGTGTCATACCTGCCGGGGA-3'
Protein context (NP_001070883.2, residues 21-41): LNLPGPIWLQ[Pro31=]SPPPQSSPPP

ClinVar aggregate classification (germline): Benign/Likely benign. Review status: criteria provided, multiple submitters, no conflicts (2 of 4 stars). 4 submissions from 4 submitters: Benign (2); Likely benign (2). Last evaluated 2025-09-15.

Conditions:
Atrioventricular septal defect, susceptibility to, 2. Identifiers: MedGen C1853508, MONDO:0011650, OMIM 606217.

Allele frequency attached by ClinVar (database versions not stated): gnomAD 0.00011 and 0.00035; TOPMed 0.00012; ESP Exome Variant Server 0.00023; gnomAD exomes 0.00084; ExAC 0.00100; 1000 Genomes Project 30x 0.00125; 1000 Genomes Project 0.00140.
gnomAD v4.1: 768 of 1,614,090 alleles (0.048%); highest among the groups gnomAD compares: South Asian, 0.51%; 5 homozygotes.

Submissions (4):

Labcorp Genetics (formerly Invitae), Labcorp
Classification: Benign for Atrioventricular septal defect, susceptibility to, 2. Last evaluated: 2025-09-15. Review status: criteria provided, single submitter. Criteria: Invitae Variant Classification Sherloc (09022015). Collection method: clinical testing. Allele origin: germline.

CeGaT Center for Human Genetics Tuebingen
Classification: Likely benign. Last evaluated: 2025-09-01. Review status: criteria provided, single submitter. Criteria: CeGaT Center For Human Genetics Tuebingen Variant Classification Criteria Version 2. Collection method: clinical testing. Allele origin: germline. Affected: yes. Observed: 2 variant alleles.
Comment: CRELD1: BP4, BP7

Blueprint Genetics
Classification: Likely benign. Last evaluated: 2024-11-20. Review status: criteria provided, single submitter. Criteria: ACMG Guidelines, 2015. Collection method: clinical testing. Allele origin: germline.

Breakthrough Genomics
Classification: Benign. Review status: criteria provided, single submitter. Criteria: ACMG Guidelines, 2015. Collection method: not provided. Allele origin: germline. Inheritance: Autosomal dominant inheritance. Affected: yes.